The following is an entry in ClinVar:

NM_002470.4(MYH3):c.3300A>G (p.Thr1100=)

Gene: MYH3 (myosin heavy chain 3; minus strand). Cytogenetic location: 17p13.1.
Variant type: single nucleotide variant.
Coding change: c.3300A>G on transcript NM_002470.4 (MANE Select); coding-DNA position 3300, A replaced by G.
Protein change: p.Thr1100=; no amino-acid change (threonine 1100 retained).
Molecular consequence: synonymous variant.
Genome position (GRCh38, 1-based): chr17:10,638,912, T>C on the plus strand (A>G on the coding strand, the complement: MYH3 is on the minus strand). VCF-style: chr17-10638912-T-C. GRCh37 (hg19) VCF-style: chr17-10542229-T-C.
Other names: c.3300A>G (NM_002470.3).
Identifiers: ClinVar variation 2961495 (VCV002961495.5), dbSNP rs761522660, ClinGen allele CA8392568.

ClinVar aggregate classification (germline): Likely benign. Review status: criteria provided, multiple submitters, no conflicts (2 of 4 stars). 3 submissions from 3 submitters: Likely benign (3). Last evaluated 2025-04-20.

Conditions:
MYH3-related disorder. Also called: MYH3-related condition; MYH3-Related Disorders. Identifiers: MedGen CN239329.

Allele frequency attached by ClinVar (database versions not stated): ExAC 0.00002; gnomAD exomes 0.00003; gnomAD 0.00004; TOPMed 0.00004.
gnomAD v4.1: 45 of 1,614,068 alleles (0.0028%); highest among the groups gnomAD compares: Non-Finnish European, 0.0036%; no homozygotes.

Submissions (3):

Labcorp Genetics (formerly Invitae), Labcorp
Classification: Likely benign. Last evaluated: 2025-04-20. Review status: criteria provided, single submitter. Criteria: Invitae Variant Classification Sherloc (09022015). Collection method: clinical testing. Allele origin: germline.

PreventionGenetics, part of Exact Sciences
Classification: Likely benign for MYH3-related condition. Last evaluated: 2025-02-24. Review status: criteria provided, single submitter. Criteria: ACMG Guidelines, 2015. Collection method: clinical testing. Allele origin: germline.
Comment: This variant is classified as likely benign based on ACMG/AMP sequence variant interpretation guidelines (Richards et al. 2015 PMID: 25741868, with internal and published modifications).

Blueprint Genetics
Classification: Likely benign. Last evaluated: 2023-12-07. Review status: criteria provided, single submitter. Criteria: ACMG Guidelines, 2015. Collection method: clinical testing. Allele origin: germline.